The following is an entry in ClinVar:

NC_000009.11:g.(131399307_131402969)_(131403219_131418819)del

Gene: DYNC2I2 (dynein 2 intermediate chain 2; minus strand). Cytogenetic location: 9q34.11.
Variant type: Deletion.
Identifiers: ClinVar variation 3769000 (VCV003769000.1).

ClinVar aggregate classification (germline): Uncertain significance (1 of 4 stars; one submission).

Submission:

Women's Health and Genetics/Laboratory Corporation of America, LabCorp
Classification: Uncertain significance. Last evaluated: 2025-02-18. Review status: criteria provided, single submitter. Criteria: LabCorp Variant Classification Summary - May 2015. Collection method: clinical testing. Allele origin: germline.
Comment: Variant summary: The variant involves the deletion of exon 2 in the DYNC2I2 (also known as WDR34) gene. A presumed nomenclature of c.(186+1_187-1)_(435+1_436-1)del has been designated for the purposes of this classification. This Copy Number Variant (CNV) is predicted to result in an in-frame deletion within this gene. The variant allele was found at a frequency of 0.00014 in 120772 control chromosomes, predominantly at a frequency of 0.0012 within the Latino subpopulation in the gnomAD database (Structural Variants v4.1 dataset). This frequency is not higher than the maximum estimated for a pathogenic variant in DYNC2I2 causing Short-Rib Thoracic Dysplasia 11 With Or Without Polydactyly, allowing no conclusion about variant significance. To our knowledge, no occurrence of c.(186+1_187-1)_(435+1_436-1)del in individuals affected with Short-Rib Thoracic Dysplasia 11 With Or Without Polydactyly has been reported. At least one publication reported experimental evidence evaluating the effect of smaller in-frame deletions within the deleted region (amino acids 63-145), and found that residues 80-93 are important for DYNLL2 binding, and amino acids 106-131 for DYNLRB1 binding (Tsurumi_2019), however, these results do not allow clear conclusions about the variant effect. The following publication has been ascertained in the context of this evaluation (PMID: 30649997). ClinVar contains an entry for this variant (Variation ID: 1681159). Based on the evidence outlined above, the variant was classified as uncertain significance.

Literature cited by the submitters: PubMed 30649997.